The following is an entry in ClinVar:

ClinVar aggregate classification (germline): Uncertain significance (1 of 4 stars; one submission).

Conditions:
Congenital neutropenia-myelofibrosis-nephromegaly syndrome. Also called: Severe congenital neutropenia 5, autosomal recessive. Identifiers: Orphanet 369852, MedGen C3809031, MONDO:0014118, OMIM 615285.

Allele frequency attached by ClinVar (database versions not stated): gnomAD exomes below 0.00001; ExAC 0.00001; TOPMed 0.00001.
gnomAD v4.1: 6 of 1,614,136 alleles (0.00037%); highest among the groups gnomAD compares: Non-Finnish European, 0.000085%; no homozygotes.

Submission:

Labcorp Genetics (formerly Invitae), Labcorp
Classification: Uncertain significance for Congenital neutropenia-myelofibrosis-nephromegaly syndrome. Last evaluated: 2021-08-27. Review status: criteria provided, single submitter. Criteria: Invitae Variant Classification Sherloc (09022015). Collection method: clinical testing. Allele origin: germline.
Comment: This sequence change replaces histidine with arginine at codon 135 of the VPS45 protein (p.His135Arg). The histidine residue is moderately conserved and there is a small physicochemical difference between histidine and arginine. This variant is present in population databases (rs781981353, ExAC 0.001%). This variant has not been reported in the literature in individuals affected with VPS45-related conditions. Algorithms developed to predict the effect of missense changes on protein structure and function are either unavailable or do not agree on the potential impact of this missense change (SIFT: "Tolerated"; PolyPhen-2: "Probably Damaging"; Align-GVGD: "Class C0"). In summary, the available evidence is currently insufficient to determine the role of this variant in disease. Therefore, it has been classified as a Variant of Uncertain Significance.

NM_007259.5(VPS45):c.404A>G (p.His135Arg)

Gene: VPS45 (vacuolar protein sorting 45 homolog; plus strand). Cytogenetic location: 1q21.2.
Variant type: single nucleotide variant.
Coding change: c.404A>G on transcript NM_007259.5 (MANE Select); coding-DNA position 404, A replaced by G.
Protein change: p.His135Arg; replaces histidine 135 with arginine.
Molecular consequence: missense variant. On other transcripts: intron variant (1).
Genome position (GRCh38, 1-based): chr1:150,076,950, A>G. VCF-style: chr1-150076950-A-G. GRCh37 (hg19) VCF-style: chr1-150049028-A-G.
Other names: c.296A>G, p.His99Arg (NM_001279354.2); c.261+638A>G (NM_001279353.2); short protein forms H99R, H135R.
Identifiers: ClinVar variation 1488243 (VCV001488243.5), dbSNP rs781981353, ClinGen allele CA1073134.